The following is an entry in ClinVar:

NM_000937.5(POLR2A):c.3712+4A>G

Gene: POLR2A (RNA polymerase II subunit A; plus strand). Cytogenetic location: 17p13.1.
Variant type: single nucleotide variant.
Coding change: c.3712+4A>G on transcript NM_000937.5 (MANE Select); 4 bases into the intron after coding-DNA position 3712, A replaced by G.
Molecular consequence: intron variant.
Genome position (GRCh38, 1-based): chr17:7,509,194, A>G. VCF-style: chr17-7509194-A-G. GRCh37 (hg19) VCF-style: chr17-7412513-A-G.
Identifiers: ClinVar variation 3367127 (VCV003367127.1).

ClinVar aggregate classification (germline): Uncertain significance (1 of 4 stars; one submission).

Conditions:
Neurodevelopmental disorder with hypotonia and variable intellectual and behavioral abnormalities. Identifiers: MedGen C5231423, MONDO:0032829, OMIM 618603.

Submission:

Neuberg Centre For Genomic Medicine, NCGM
Classification: Uncertain significance for Neurodevelopmental disorder with hypotonia and variable intellectual and behavioral abnormalities. Last evaluated: 2023-05-20. Review status: criteria provided, single submitter. Criteria: ACMG Guidelines, 2015. Collection method: clinical testing. Allele origin: germline. Inheritance: Autosomal dominant inheritance. Affected: yes.
Comment: The splice donor c.3712+4A>G variant in the POLR2A gene has not been reported previously as a pathogenic variant nor as a benign variant, to our knowledge. The variant is absent in gnomAD Exomes. The variant affects position 4 nucleotides downstream of exon 21. The splice AI tool predicts the variant to be Benign. Further studies are required to prove the pathogenicity of the variant. For these reasons, this variant has been classified as Uncertain Significance.